The following is an entry in ClinVar:

ClinVar aggregate classification (germline): Likely pathogenic (1 of 4 stars; one submission).

Conditions:
Thyroglobulin synthesis defect (TDH5). Also called: THYROID HORMONOGENESIS, GENETIC DEFECT IN, 5; HYPOTHYROIDISM, CONGENITAL, DUE TO DYSHORMONOGENESIS, 5; Thyroid dyshormonogenesis 5. Identifiers: Orphanet 95716, MedGen C0342196, MONDO:0010137, OMIM 274900.

Submission:

Juno Genomics, Hangzhou Juno Genomics, Inc
Classification: Likely pathogenic for Thyroglobulin synthesis defect. Review status: criteria provided, single submitter. Criteria: ACMG Guidelines, 2015. Collection method: clinical testing. Allele origin: germline.
Comment: Null variant in a gene where loss of function (LOF) is a known mechanism of disease.;Absent from controls (or at extremely low frequency if recessive) in Genome Aggregation Database.

NM_207581.4(DUOXA2):c.628dup (p.Leu210fs)

Gene: DUOXA2 (dual oxidase maturation factor 2; plus strand). Cytogenetic location: 15q21.1.
Variant type: Duplication.
Coding change: c.628dup on transcript NM_207581.4 (MANE Select); coding-DNA position 628, one base duplicated (C; older notation c.628dupC).
Protein change: p.Leu210fs; shifts the reading frame from leucine 210.
Molecular consequence: frameshift variant.
Genome position (GRCh38, 1-based): chr15:45,117,164, C duplicated. VCF-style (leftmost placement, unchanged base first): chr15-45117163-A-AC. GRCh37 (hg19) VCF-style: chr15-45409361-A-AC.
Other names: short protein forms L210fs.
Identifiers: ClinVar variation 5005417 (VCV005005417.2).
Genomic context (GRCh38, chr15:45,117,163, plus strand): 5'-CTTCTGGCTCCTCTCCAACGTGCTGCTCTCCACGCCGGCCCCGCTCTACGGAGGCCTGGC[A>AC]CTGCTGACCACCGGAGCCTTCGCGCTCTTCGGGGTCTTCGCCTTGGCCTCCATCTCTAGC-3'